The following is an entry in ClinVar:

NM_032242.4(PLXNA1):c.3945C>T (p.Asp1315=)

Gene: PLXNA1 (plexin A1; plus strand). Cytogenetic location: 3q21.3.
Variant type: single nucleotide variant.
Coding change: c.3945C>T on transcript NM_032242.4 (MANE Select); coding-DNA position 3945, C replaced by T.
Protein change: p.Asp1315=; no amino-acid change (aspartic acid 1315 retained).
Molecular consequence: synonymous variant.
Genome position (GRCh38, 1-based): chr3:127,020,251, C>T. VCF-style: chr3-127020251-C-T. GRCh37 (hg19) VCF-style: chr3-126739094-C-T.
Other names: c.3945C>T (NM_032242.3).
Identifiers: ClinVar variation 2764331 (VCV002764331.5), dbSNP rs767350478, ClinGen allele CA2594195.

ClinVar aggregate classification (germline): Likely benign. Review status: criteria provided, single submitter (1 of 4 stars). 2 submissions from 2 submitters: Likely benign (1). 1 of the submissions does not count toward it. Last evaluated 2024-05-28.

Conditions:
PLXNA1-related disorder. Also called: PLXNA1-related condition.

Allele frequency attached by ClinVar (database versions not stated): gnomAD 0.00001; gnomAD exomes 0.00002; TOPMed 0.00002; ExAC 0.00006.
gnomAD v4.1: 32 of 1,613,102 alleles (0.002%); highest among the groups gnomAD compares: South Asian, 0.0088%; no homozygotes.

Submissions (2):

Labcorp Genetics (formerly Invitae), Labcorp
Classification: Likely benign. Last evaluated: 2024-05-28. Review status: criteria provided, single submitter. Criteria: Invitae Variant Classification Sherloc (09022015). Collection method: clinical testing. Allele origin: germline.

PreventionGenetics, part of Exact Sciences
Classification: Likely benign for PLXNA1-related condition. Last evaluated: 2024-02-14. Review status: no assertion criteria provided. Collection method: clinical testing. Allele origin: germline. Not counted in ClinVar's aggregate classification.
Comment: This variant is classified as likely benign based on ACMG/AMP sequence variant interpretation guidelines (Richards et al. 2015 PMID: 25741868, with internal and published modifications).